The following is an entry in ClinVar:

NM_001792.5(CDH2):c.1783T>A (p.Leu595Ile)

Gene: CDH2 (cadherin 2; minus strand). Cytogenetic location: 18q12.1.
Variant type: single nucleotide variant.
Coding change: c.1783T>A on transcript NM_001792.5 (MANE Select); coding-DNA position 1783, T replaced by A.
Protein change: p.Leu595Ile; replaces leucine 595 with isoleucine.
Molecular consequence: missense variant.
Genome position (GRCh38, 1-based): chr18:27,985,720, A>T on the plus strand (T>A on the coding strand, the complement: CDH2 is on the minus strand). VCF-style: chr18-27985720-A-T. GRCh37 (hg19) VCF-style: chr18-25565684-A-T.
Other names: c.1690T>A, p.Leu564Ile (NM_001308176.2); short protein forms L564I, L595I.
Identifiers: ClinVar variation 2565609 (VCV002565609.2), dbSNP rs2510793285, ClinGen allele CA402107584.

ClinVar aggregate classification (germline): Uncertain significance (1 of 4 stars; one submission).

Conditions:
Inborn genetic diseases. Identifiers: MedGen C0950123, MeSH D030342.

Submission:

Ambry Genetics
Classification: Uncertain significance for Inborn genetic diseases. Last evaluated: 2023-06-11. Review status: criteria provided, single submitter. Criteria: Ambry Variant Classification Scheme 2023. Collection method: clinical testing. Allele origin: germline.
Comment: The p.L595I variant (also known as c.1783T>A), located in coding exon 12 of the CDH2 gene, results from a T to A substitution at nucleotide position 1783. The leucine at codon 595 is replaced by isoleucine, an amino acid with highly similar properties. This amino acid position is conserved. In addition, this alteration is predicted to be tolerated by in silico analysis. Since supporting evidence is limited at this time, the clinical significance of this alteration remains unclear.